The following is an entry in ClinVar:

ClinVar aggregate classification (germline): Benign. Review status: criteria provided, multiple submitters, no conflicts (2 of 4 stars). 3 submissions from 3 submitters: Benign (3). Last evaluated 2026-04-14.

Conditions:
Familial intrahepatic cholestasis. Identifiers: Orphanet 284385, MedGen CN296401, MONDO:0017290.

Allele frequency attached by ClinVar (database versions not stated): ESP Exome Variant Server 0.05491; gnomAD 0.07764 and 0.08336; gnomAD exomes 0.08239 and 0.12452; TOPMed 0.08960; ExAC 0.11551; 1000 Genomes Project 30x 0.13351; 1000 Genomes Project 0.13838.
gnomAD v4.1: 133,084 of 1,611,344 alleles (8.3%); highest among the groups gnomAD compares: East Asian, 36%; 9,086 homozygotes.

Submissions (3):

Genomenon, Inc
Classification: Benign for Familial intrahepatic cholestasis. Last evaluated: 2026-04-14. Review status: criteria provided, single submitter. Criteria: Genomenon Sequence Variant Interpretation Standards - Updated. Collection method: curation. Allele origin: germline. Affected: no.
Comment: ATP8B1 c.3262-40C>T is an intronic variant located in intron 25. This variant is present at high allele frequency in population databases. In conclusion, we classify ATP8B1 c.3262-40C>T as a benign variant.

GeneDx
Classification: Benign. Last evaluated: 2018-06-23. Review status: criteria provided, single submitter. Criteria: GeneDx Variant Classification Process June 2021. Collection method: clinical testing. Allele origin: germline. Affected: yes.

Breakthrough Genomics
Classification: Benign. Review status: criteria provided, single submitter. Criteria: ACMG Guidelines, 2015. Collection method: not provided. Allele origin: germline. Inheritance: Autosomal recessive inheritance. Affected: yes.

NM_001374385.1(ATP8B1):c.3262-40C>T

Genes: ATP8B1 (ATPase phospholipid transporting 8B1; minus strand), ATP8B1-AS1 (ATP8B1 antisense RNA 1; plus strand). Cytogenetic location: 18q21.31.
Variant type: single nucleotide variant.
Coding change: c.3262-40C>T on transcript NM_001374385.1 (MANE Select); 40 bases into the intron before coding-DNA position 3262, C replaced by T.
Molecular consequence: intron variant.
Genome position (GRCh38, 1-based): chr18:57,652,212, G>A on the plus strand (C>T on the coding strand, the complement: ATP8B1 is on the minus strand). VCF-style: chr18-57652212-G-A. GRCh37 (hg19) VCF-style: chr18-55319444-G-A.
Other names: c.3262-40C>T (NM_005603.6); c.3112-40C>T (NM_001374386.1).
Identifiers: ClinVar variation 1265634 (VCV001265634.4), dbSNP rs17759233, ClinGen allele CA8974047.